The following is an entry in ClinVar:

ClinVar aggregate classification (germline): Benign/Likely benign. Review status: criteria provided, multiple submitters, no conflicts (2 of 4 stars). 8 submissions from 8 submitters: Benign (5); Likely benign (3). Last evaluated 2026-02-03.

Conditions:
Rh-null, regulator type (RHNR). Also called: Rh-null hemolytic anemia, regulator type. Identifiers: MedGen C1849387, OMIM 268150.
Overhydrated hereditary stomatocytosis. Identifiers: Orphanet 3203, MedGen C1861455, MONDO:0008493, OMIM 185000.

Allele frequency attached by ClinVar (database versions not stated): gnomAD exomes 0.03213 and 0.04206; gnomAD 0.04007 and 0.04214; ExAC 0.04345; TOPMed 0.04371; 1000 Genomes Project 30x 0.06793; 1000 Genomes Project 0.06969.

Submissions (8):

Labcorp Genetics (formerly Invitae), Labcorp
Classification: Benign. Last evaluated: 2026-02-03. Review status: criteria provided, single submitter. Criteria: Invitae Variant Classification Sherloc (09022015). Collection method: clinical testing. Allele origin: germline.

Blueprint Genetics
Classification: Likely benign. Last evaluated: 2024-11-26. Review status: criteria provided, single submitter. Criteria: ACMG Guidelines, 2015. Collection method: clinical testing. Allele origin: germline.

Mayo Clinic Laboratories, Mayo Clinic
Classification: Benign. Last evaluated: 2022-05-31. Review status: criteria provided, single submitter. Criteria: ACMG Guidelines, 2015. Collection method: clinical testing. Allele origin: germline. Observed: 186 variant alleles.
Comment: BA1

Fulgent Genetics
Classification: Benign for Overhydrated hereditary stomatocytosis; Rh-null, regulator type. Last evaluated: 2021-07-07. Review status: criteria provided, single submitter. Criteria: ACMG Guidelines, 2015. Collection method: clinical testing. Allele origin: unknown.

Soonchunhyang University Bucheon Hospital, Soonchunhyang University Medical Center
Classification: Benign for Rh-null, regulator type. Last evaluated: 2016-03-18. Review status: criteria provided, single submitter. Criteria: ACMG Guidelines, 2015. Collection method: reference population. Allele origin: germline. Observed: 9 variant alleles.

GeneDx
Classification: Likely benign. Last evaluated: 2015-03-03. Review status: criteria provided, single submitter. Criteria: GeneDx Variant Classification Process June 2021. Collection method: clinical testing. Allele origin: germline. Affected: yes.
Comment: See Variant Classification Assertion Criteria.

Breakthrough Genomics
Classification: Likely benign. Review status: criteria provided, single submitter. Criteria: ACMG Guidelines, 2015. Collection method: not provided. Allele origin: germline. Inheritance: Autosomal recessive inheritance. Affected: yes.

Broad Center for Mendelian Genomics, Broad Institute of MIT and Harvard
Classification: Benign for Rh-null, regulator type. Review status: criteria provided, single submitter. Criteria: ACMG Guidelines, 2015. Collection method: research. Allele origin: germline. Inheritance: Autosomal recessive inheritance. Affected: yes.
Comment: Of note, this variant was found in cis with p.Gly280Arg in RHAG in this individual (PMID: 10467273). This variant has also been identified in >10% of South Asian chromosomes and 176 homozygotes by ExAC. In summary, this variant meets criteria to be classified as benign for Rh-null syndrome.

Literature cited by the submitters: PubMed 10467273 (cited by Soonchunhyang University Bucheon Hospital, Soonchunhyang University Medical Center).

NM_000324.3(RHAG):c.808G>A (p.Val270Ile)

Gene: RHAG (Rh associated glycoprotein; minus strand). Cytogenetic location: 6p12.3.
Variant type: single nucleotide variant.
Coding change: c.808G>A on transcript NM_000324.3 (MANE Select); coding-DNA position 808, G replaced by A.
Protein change: p.Val270Ile; replaces valine 270 with isoleucine.
Molecular consequence: missense variant.
Genome position (GRCh38, 1-based): chr6:49,612,534, C>T on the plus strand (G>A on the coding strand, the complement: RHAG is on the minus strand). VCF-style: chr6-49612534-C-T. GRCh37 (hg19) VCF-style: chr6-49580247-C-T.
Other names: short protein forms V270I.
Identifiers: ClinVar variation 225454 (VCV000225454.17), dbSNP rs16879498, ClinGen allele CA357863.